The following is an entry in ClinVar:

NM_007272.3(CTRC):c.11T>C (p.Ile4Thr)

Gene: CTRC (chymotrypsin C; plus strand). Cytogenetic location: 1p36.21.
Variant type: single nucleotide variant.
Coding change: c.11T>C on transcript NM_007272.3 (MANE Select); coding-DNA position 11, T replaced by C.
Protein change: p.Ile4Thr; replaces isoleucine 4 with threonine.
Molecular consequence: missense variant.
Genome position (GRCh38, 1-based): chr1:15,438,475, T>C. VCF-style: chr1-15438475-T-C. GRCh37 (hg19) VCF-style: chr1-15764971-T-C.
Other names: short protein forms I4T.
Identifiers: ClinVar variation 1747184 (VCV001747184.5), dbSNP rs761548318, ClinGen allele CA613177.

ClinVar aggregate classification (germline): Uncertain significance. Review status: criteria provided, multiple submitters, no conflicts (2 of 4 stars). 2 submissions from 2 submitters: Uncertain significance (2). Last evaluated 2025-06-30.

Conditions:
Hereditary pancreatitis (PCTT). Also called: Hereditary chronic pancreatitis; PRSS1-Related Hereditary Pancreatitis. Identifiers: Orphanet 676, MedGen C0238339, MONDO:0008185, OMIM 167800.

Allele frequency attached by ClinVar (database versions not stated): TOPMed below 0.00001; ExAC 0.00001.
gnomAD v4.1: 1 of 1,614,164 alleles (0.000062%); highest among the groups gnomAD compares: Non-Finnish European, 0.000085%; no homozygotes.

Submissions (2):

Ambry Genetics
Classification: Uncertain significance for Hereditary pancreatitis. Last evaluated: 2025-06-30. Review status: criteria provided, single submitter. Criteria: Ambry Variant Classification Scheme 2023. Collection method: clinical testing. Allele origin: germline.
Comment: The p.I4T variant (also known as c.11T>C), located in coding exon 1 of the CTRC gene, results from a T to C substitution at nucleotide position 11. The isoleucine at codon 4 is replaced by threonine, an amino acid with similar properties. This amino acid position is not well conserved in available vertebrate species. In addition, this alteration is predicted to be tolerated by in silico analysis. Since supporting evidence is limited at this time, the clinical significance of this alteration remains unclear.

Labcorp Genetics (formerly Invitae), Labcorp
Classification: Uncertain significance for Hereditary pancreatitis. Last evaluated: 2024-06-17. Review status: criteria provided, single submitter. Criteria: Invitae Variant Classification Sherloc (09022015). Collection method: clinical testing. Allele origin: germline.
Comment: This sequence change replaces isoleucine, which is neutral and non-polar, with threonine, which is neutral and polar, at codon 4 of the CTRC protein (p.Ile4Thr). This variant is present in population databases (rs761548318, gnomAD 0.0009%). This variant has not been reported in the literature in individuals affected with CTRC-related conditions. ClinVar contains an entry for this variant (Variation ID: 1747184). Advanced modeling of protein sequence and biophysical properties (such as structural, functional, and spatial information, amino acid conservation, physicochemical variation, residue mobility, and thermodynamic stability) performed at Invitae indicates that this missense variant is not expected to disrupt CTRC protein function with a negative predictive value of 95%. In summary, the available evidence is currently insufficient to determine the role of this variant in disease. Therefore, it has been classified as a Variant of Uncertain Significance.